The following is an entry in ClinVar:

ClinVar aggregate classification (germline): Uncertain significance (1 of 4 stars; one submission).

Conditions:
Hereditary cancer-predisposing syndrome. Also called: Neoplastic Syndromes, Hereditary; Hereditary Cancer Syndrome; Tumor predisposition; Hereditary neoplastic syndrome. Identifiers: Orphanet 140162, MedGen C0027672, MeSH D009386, MONDO:0015356.

Submission:

Ambry Genetics
Classification: Uncertain significance for Hereditary cancer-predisposing syndrome. Last evaluated: 2017-08-04. Review status: criteria provided, single submitter. Criteria: Ambry Variant Classification Scheme 2023. Collection method: clinical testing. Allele origin: germline.
Comment: The c.6633_6634delTCinsAA variant (also known as p.L2212I), located in coding exon 45 of the ATM gene, results from an in-frame deletion of TC and insertion of AA at nucleotide positions 6633 to 6634. This results in the substitution of the leucine residue for an isoleucine residue at codon 2212, an amino acid with highly similar properties. This amino acid position is highly conserved in available vertebrate species. Since supporting evidence is limited at this time, the clinical significance of this alteration remains unclear.

NM_000051.4(ATM):c.6633_6634delinsAA (p.Leu2212Ile)

Genes: ATM (ATM serine/threonine kinase; plus strand), C11orf65 (chromosome 11 open reading frame 65; minus strand). Cytogenetic location: 11q22.3.
Variant type: Indel.
Coding change: c.6633_6634delinsAA on transcript NM_000051.4 (MANE Select); coding-DNA positions 6633 to 6634, TC replaced by AA.
Protein change: p.Leu2212Ile; replaces leucine 2212 with isoleucine.
Molecular consequence: missense variant. On other transcripts: intron variant (2).
Genome position (GRCh38, 1-based): chr11:108,325,370-108,325,371, TC replaced by AA. VCF-style: chr11-108325370-TC-AA. GRCh37 (hg19) VCF-style: chr11-108196097-TC-AA.
Other names: c.6633_6634delinsAA, p.Leu2212Ile (NM_001351834.2); c.641-16300_641-16299delinsTT (NM_001330368.2); c.*38+9849_*38+9850delinsTT (NM_001351110.2); short protein forms L2212I.
Identifiers: ClinVar variation 479108 (VCV000479108.7), dbSNP rs1555119055, ClinGen allele CA658656258.